The following is an entry in ClinVar:

NM_177438.3(DICER1):c.2201C>G (p.Thr734Ser)

Gene: DICER1 (dicer 1, ribonuclease III; minus strand). Cytogenetic location: 14q32.13.
Variant type: single nucleotide variant.
Coding change: c.2201C>G on transcript NM_177438.3 (MANE Select); coding-DNA position 2201, C replaced by G.
Protein change: p.Thr734Ser; replaces threonine 734 with serine.
Molecular consequence: missense variant.
Genome position (GRCh38, 1-based): chr14:95,111,372, G>C on the plus strand (C>G on the coding strand, the complement: DICER1 is on the minus strand). VCF-style: chr14-95111372-G-C. GRCh37 (hg19) VCF-style: chr14-95577709-G-C.
Other names: c.2201C>G, p.Thr734Ser (NM_001195573.1, NM_001271282.3, NM_001291628.2 and 1 more transcripts); short protein forms T734S.
Identifiers: ClinVar variation 412156 (VCV000412156.18), dbSNP rs781312991, ClinGen allele CA7331292.

ClinVar aggregate classification (germline): Uncertain significance. Review status: criteria provided, multiple submitters, no conflicts (2 of 4 stars). 4 submissions from 4 submitters: Uncertain significance (4). Last evaluated 2025-10-31.

Conditions:
Global developmental delay - lung cysts - overgrowth - Wilms tumor syndrome. Also called: GLOW Syndrome; GLOBAL DEVELOPMENTAL DELAY, LUNG CYSTS, OVERGROWTH, AND WILMS TUMOR. Identifiers: Orphanet 404476, MedGen C4748924, MONDO:0018445, OMIM 618272.
DICER1-related tumor predisposition. Also called: DICER1-related pleuropulmonary blastoma cancer predisposition syndrome; DICER1 syndrome. Identifiers: Orphanet 284343, MedGen C3839822, MONDO:0100216.
Hereditary cancer-predisposing syndrome. Also called: Hereditary neoplastic syndrome; Neoplastic Syndromes, Hereditary; Tumor predisposition; Hereditary Cancer Syndrome. Identifiers: Orphanet 140162, MedGen C0027672, MeSH D009386, MONDO:0015356.

Allele frequency attached by ClinVar (database versions not stated): gnomAD exomes below 0.00001 and 0.00001; ExAC 0.00001; gnomAD 0.00001; TOPMed 0.00001.
gnomAD v4.1: 6 of 1,614,020 alleles (0.00037%); highest among the groups gnomAD compares: Admixed American, 0.0017%; no homozygotes.

Submissions (4):

Labcorp Genetics (formerly Invitae), Labcorp
Classification: Uncertain significance for DICER1-related tumor predisposition. Last evaluated: 2025-10-31. Review status: criteria provided, single submitter. Criteria: Invitae Variant Classification Sherloc (09022015). Collection method: clinical testing. Allele origin: germline.
Comment: This sequence change replaces threonine, which is neutral and polar, with serine, which is neutral and polar, at codon 734 of the DICER1 protein (p.Thr734Ser). This variant is present in population databases (rs781312991, gnomAD 0.0009%). This variant has not been reported in the literature in individuals affected with DICER1-related conditions. ClinVar contains an entry for this variant (Variation ID: 412156). Invitae Evidence Modeling of protein sequence and biophysical properties (such as structural, functional, and spatial information, amino acid conservation, physicochemical variation, residue mobility, and thermodynamic stability) indicates that this missense variant is not expected to disrupt DICER1 protein function with a negative predictive value of 95%. In summary, the available evidence is currently insufficient to determine the role of this variant in disease. Therefore, it has been classified as a Variant of Uncertain Significance.

Ambry Genetics
Classification: Uncertain significance for Hereditary cancer-predisposing syndrome. Last evaluated: 2025-05-03. Review status: criteria provided, single submitter. Criteria: Ambry Variant Classification Scheme 2023. Collection method: clinical testing. Allele origin: germline.
Comment: The p.T734S variant (also known as c.2201C>G), located in coding exon 13 of the DICER1 gene, results from a C to G substitution at nucleotide position 2201. The threonine at codon 734 is replaced by serine, an amino acid with similar properties. This amino acid position is highly conserved in available vertebrate species. In addition, this alteration is predicted to be tolerated by in silico analysis. Since supporting evidence is limited at this time, the clinical significance of this alteration remains unclear.

Baylor Genetics
Classification: Uncertain significance for Global developmental delay - lung cysts - overgrowth - Wilms tumor syndrome. Last evaluated: 2023-10-04. Review status: criteria provided, single submitter. Criteria: ACMG Guidelines, 2015. Collection method: clinical testing. Allele origin: unknown.

Revvity Omics, Revvity
Classification: Uncertain significance. Last evaluated: 2022-05-05. Review status: criteria provided, single submitter. Criteria: ACMG Guidelines, 2015. Collection method: clinical testing. Allele origin: germline.